The following is an entry in ClinVar:

NM_000077.5(CDKN2A):c.197A>C (p.His66Pro)

Gene: CDKN2A (cyclin dependent kinase inhibitor 2A; minus strand). Cytogenetic location: 9p21.3.
Variant type: single nucleotide variant.
Coding change: c.197A>C on transcript NM_000077.5; coding-DNA position 197, A replaced by C.
Protein change: p.His66Pro; replaces histidine 66 with proline.
Molecular consequence: missense variant (on NM_000077.6). On other transcripts: synonymous variant (1), 3 prime UTR variant (1).
Genome position (GRCh38, 1-based): chr9:21,971,162, T>G on the plus strand (A>C on the coding strand, the complement: CDKN2A is on the minus strand). VCF-style: chr9-21971162-T-G. GRCh37 (hg19) VCF-style: chr9-21971161-T-G.
Other names: c.197A>C, p.His66Pro (NM_000077.6, NM_001195132.2); c.44A>C, p.His15Pro (NM_001363763.2); c.240A>C, p.Pro80= (NM_058195.4); c.*120A>C (NM_058197.5); short protein forms H66P, H15P.
Identifiers: ClinVar variation 419802 (VCV000419802.5), dbSNP rs756750256, ClinGen allele CA16618832.

ClinVar aggregate classification (germline): Uncertain significance. Review status: criteria provided, multiple submitters, no conflicts (2 of 4 stars). 3 submissions from 3 submitters: Uncertain significance (3). Last evaluated 2022-01-26.

Conditions:
Hereditary cancer-predisposing syndrome. Also called: Tumor predisposition; Hereditary Cancer Syndrome; Hereditary neoplastic syndrome; Neoplastic Syndromes, Hereditary. Identifiers: Orphanet 140162, MedGen C0027672, MeSH D009386, MONDO:0015356.
Melanoma. Identifiers: MedGen C0025202, MeSH D008545, MONDO:0005105, HP:0002861.

Submissions (3):

Ambry Genetics
Classification: Uncertain significance for Hereditary cancer-predisposing syndrome. Last evaluated: 2022-01-26. Review status: criteria provided, single submitter. Criteria: Ambry Variant Classification Scheme 2023. Collection method: clinical testing. Allele origin: germline.
Comment: The p.H66P variant (also known as c.197A>C), located in coding exon 2 of the CDKN2A gene, results from an A to C substitution at nucleotide position 197. The histidine at codon 66 is replaced by proline, an amino acid with similar properties. This alteration was identified in a clinically suspicious hereditary breast/ovarian cancer family without a pathogenic variant in BRCA1 or BRCA2 (Bonache S et al. J Cancer Res Clin Oncol, 2018 Dec;144:2495-2513). This amino acid position is not well conserved in available vertebrate species. In addition, this alteration is predicted to be deleterious by in silico analysis. Since supporting evidence is limited at this time, the clinical significance of this alteration remains unclear.

Centre for Mendelian Genomics, University Medical Centre Ljubljana
Classification: Uncertain significance for Melanoma. Last evaluated: 2017-01-01. Review status: criteria provided, single submitter. Criteria: ACMG Guidelines, 2015. Collection method: clinical testing. Allele origin: unknown. Affected: yes.

GeneDx
Classification: Uncertain significance. Last evaluated: 2016-07-13. Review status: criteria provided, single submitter. Criteria: GeneDx Variant Classification (06012015). Collection method: clinical testing. Allele origin: germline. Affected: yes.
Comment: This variant is denoted CDKN2A c.197A>C at the cDNA level, p.His66Pro (H66P) at the protein level, and results in the change of a Histidine to a Proline (CAC>CCC). This variant has been observed in one family with history of melanoma and pancreatic cancer, but co-segregation studies were not completed (Lynch 2003). CDKN2A His66Pro was not observed in approximately 6,300 individuals of European and African American ancestry in the NHLBI Exome Sequencing Project, suggesting it is not a common benign variant in these populations. Since Histidine and Proline differ in polarity, charge, size or other properties, this is considered a non-conservative amino acid substitution. CDKN2A His66Pro occurs at a position that is not conserved and is located in the 2nd ANK repeat (UniProt). In silico analyses predict that this variant is probably damaging to protein structure and function. Based on currently available evidence, it is unclear whether CDKN2A His66Pro is a pathogenic or benign variant. We consider it to be a variant of uncertain significance.

Literature cited by the submitters: PubMed 30306255 (cited by Ambry Genetics).